The following is an entry in ClinVar:

NM_170707.4(LMNA):c.164_168delinsTCT (p.Glu55fs)

Gene: LMNA (lamin A/C; plus strand). Cytogenetic location: 1q22.
Variant type: Indel.
Coding change: c.164_168delinsTCT on transcript NM_170707.4 (MANE Select); coding-DNA positions 164 to 168, AGAAC replaced by TCT.
Protein change: p.Glu55fs; shifts the reading frame from glutamic acid 55.
Molecular consequence: frameshift variant.
Genome position (GRCh38, 1-based): chr1:156,115,082-156,115,086, AGAAC replaced by TCT. VCF-style: chr1-156115082-AGAAC-TCT. GRCh37 (hg19) VCF-style: chr1-156084873-AGAAC-TCT.
Other names: c.164_168delinsTCT, p.Glu55fs (NM_001282625.2, NM_001282626.2, NM_005572.4 and 1 more transcripts); short protein forms E55fs.
Identifiers: ClinVar variation 419455 (VCV000419455.2), dbSNP rs1064793882, ClinGen allele CA16616999.
Genomic context (GRCh38, chr1:156,115,082, plus strand): 5'-TGCAGGAGCTCAATGATCGCTTGGCGGTCTACATCGACCGTGTGCGCTCGCTGGAAACGG[AGAAC>TCT]GCAGGGCTGCGCCTTCGCATCACCGAGTCTGAAGAGGTGGTCAGCCGCGAGGTGTCCGGC-3'

ClinVar aggregate classification (germline): Likely pathogenic (1 of 4 stars; one submission).

Submission:

GeneDx
Classification: Likely pathogenic. Last evaluated: 2017-11-27. Review status: criteria provided, single submitter. Criteria: GeneDx Variant Classification (06012015). Collection method: clinical testing. Allele origin: germline. Affected: yes.
Comment: Although the c.164_168delAGAACinsTCT variant in the LMNA gene has not been reported to ourknowledge, this variant causes a shift in reading frame starting at codon Glutamic acid 55, changing it to aValine, and creating a premature stop codon at position 12 of the new reading frame, denotedp.Glu55ValfsX12. This variant is expected to result in either an abnormal, truncated protein product or lossof protein from this allele through nonsense-mediated mRNA decay. Other frameshift variants in the LMNAgene have been reported in HGMD in association with LMNA-related disorders (Stenson P et al., 2014).Furthermore, the c.164_168delAGAACinsTCT variant was not observed in approximately 6500 individualsof European and African American ancestry in the NHLBI Exome Sequencing Project, indicating it is not acommon benign variant in these populations. Based on currently available evidence, c.164_168delAGAACinsTCT is a strong candidate for a pathogenic variant. However, the possibility it is a rare benign variant cannot be excluded.